The following is an entry in ClinVar:

ClinVar aggregate classification (germline): Uncertain significance. Review status: criteria provided, multiple submitters, no conflicts (2 of 4 stars). 2 submissions from 2 submitters: Uncertain significance (2). Last evaluated 2024-08-28.

Submissions (2):

GeneDx
Classification: Uncertain significance. Last evaluated: 2024-08-28. Review status: criteria provided, single submitter. Criteria: GeneDx Variant Classification Process June 2021. Collection method: clinical testing. Allele origin: germline. Affected: yes.
Comment: Identified in patients with LVNC in published literature; at least one patient harbored an additional cardiogenetic variant (PMID: 26025024, 35288587, 33500567); Not observed at significant frequency in large population cohorts (gnomAD); In silico analysis supports that this missense variant has a deleterious effect on protein structure/function; This variant is associated with the following publications: (PMID: 26025024, 35288587, 33500567)

Laboratory for Molecular Medicine, Mass General Brigham Personalized Medicine
Classification: Uncertain significance. Last evaluated: 2014-04-04. Review status: criteria provided, single submitter. Criteria: LMM Criteria. Collection method: clinical testing. Allele origin: germline. Observed: 2 variant alleles.
Comment: proposed classification - variant undergoing re-assessment, contact laboratory

NM_000257.4(MYH7):c.2882T>C (p.Leu961Pro)

Gene: MYH7 (myosin heavy chain 7; minus strand). Cytogenetic location: 14q11.2.
Variant type: single nucleotide variant.
Coding change: c.2882T>C on transcript NM_000257.4 (MANE Select); coding-DNA position 2882, T replaced by C.
Protein change: p.Leu961Pro; replaces leucine 961 with proline.
Molecular consequence: missense variant.
Genome position (GRCh38, 1-based): chr14:23,423,947, A>G on the plus strand (T>C on the coding strand, the complement: MYH7 is on the minus strand). VCF-style: chr14-23423947-A-G. GRCh37 (hg19) VCF-style: chr14-23893156-A-G.
Other names: short protein forms L961P.
Identifiers: ClinVar variation 177875 (VCV000177875.5), dbSNP rs727504374, ClinGen allele CA013164.
Genomic context (GRCh38, chr14:23,423,947, plus strand): 5'-CCAAAGGGAGCTGCCCTTACCTTGTTCTCTGTTGCGTGTTTCTCCTTCTCCACTTTGGCC[A>G]GTGTCAGCTCCAGATCATCGATGTCCCTTTTGAGCTCTGAGCACTCATCTTCCAGCTTGC-3'
Protein context (NP_000248.2, residues 951-971): KRDIDDLELT[Leu961Pro]AKVEKEKHAT